The following is an entry in ClinVar:

ClinVar aggregate classification (germline): Conflicting classifications of pathogenicity. Review status: criteria provided, conflicting classifications (1 of 4 stars). 11 submissions from 11 submitters: Uncertain significance (1); Benign (3); Likely benign (6). 1 of the submissions does not count toward it. Last evaluated 2026-01-31.

Conditions:
Hereditary cancer-predisposing syndrome. Also called: Neoplastic Syndromes, Hereditary; Hereditary neoplastic syndrome; Hereditary Cancer Syndrome; Tumor predisposition. Identifiers: Orphanet 140162, MedGen C0027672, MeSH D009386, MONDO:0015356.
CHEK2-related cancer predisposition (TPDS4). Also called: CHEK2-related cancer susceptibility; TUMOR PREDISPOSITION SYNDROME 4; CANCER PREDISPOSITION SYNDROME, CHEK2-RELATED. Identifiers: Orphanet 524, MedGen C5882668, MONDO:0700271, OMIM 609265.
Familial cancer of breast. Also called: hereditary breast carcinoma; Hereditary breast cancer; BREAST CANCER, FAMILIAL. Identifiers: Orphanet 227535, MedGen C0346153, MONDO:0016419, OMIM 114480. Disease mechanism: loss of function.

Allele frequency attached by ClinVar (database versions not stated): gnomAD 0.00001 and 0.00005; TOPMed 0.00002; gnomAD exomes 0.00011 and 0.00023; ExAC 0.00020.
gnomAD v4.1: 168 of 1,596,422 alleles (0.011%); highest among the groups gnomAD compares: South Asian, 0.16%; 1 homozygote.

Submissions (11):

Labcorp Genetics (formerly Invitae), Labcorp
Classification: Benign for Familial cancer of breast. Last evaluated: 2026-01-31. Review status: criteria provided, single submitter. Criteria: Invitae Variant Classification Sherloc (09022015). Collection method: clinical testing. Allele origin: germline.

Center for Genomic Medicine, Rigshospitalet, Copenhagen University Hospital
Classification: Likely benign. Last evaluated: 2025-03-04. Review status: criteria provided, single submitter. Criteria: ACMG Guidelines, 2015. Collection method: clinical testing. Allele origin: germline.

Quest Diagnostics Nichols Institute San Juan Capistrano
Classification: Benign. Last evaluated: 2024-12-06. Review status: criteria provided, single submitter. Criteria: Quest Diagnostics criteria. Collection method: clinical testing. Allele origin: unknown.

Blueprint Genetics
Classification: Likely benign. Last evaluated: 2024-11-06. Review status: criteria provided, single submitter. Criteria: ACMG Guidelines, 2015. Collection method: clinical testing. Allele origin: germline.

Myriad Genetics, Inc.
Classification: Benign for Familial cancer of breast. Last evaluated: 2024-10-09. Review status: criteria provided, single submitter. Criteria: Myriad Autosomal Dominant, Autosomal Recessive and X-Linked Classification Criteria (2023). Collection method: clinical testing. Allele origin: unknown.
Comment: This variant is considered benign. This variant is a silent/synonymous amino acid change and it is not expected to impact splicing.

Women's Health and Genetics/Laboratory Corporation of America, LabCorp
Classification: Likely benign. Last evaluated: 2020-11-19. Review status: criteria provided, single submitter. Criteria: LabCorp Variant Classification Summary - May 2015. Collection method: clinical testing. Allele origin: germline.

GeneDx
Classification: Likely benign. Last evaluated: 2020-01-28. Review status: criteria provided, single submitter. Criteria: GeneDx Variant Classification Process June 2021. Collection method: clinical testing. Allele origin: germline. Affected: yes.

Illumina Laboratory Services, Illumina
Classification: Uncertain significance for CHEK2-Related Cancer Susceptibility. Last evaluated: 2017-04-27. Review status: criteria provided, single submitter. Criteria: ICSL Variant Classification Criteria 13 December 2019. Collection method: clinical testing. Allele origin: germline.

Color Diagnostics, LLC DBA Color Health
Classification: Likely benign for Hereditary cancer-predisposing syndrome. Last evaluated: 2016-09-16. Review status: criteria provided, single submitter. Criteria: ACMG Guidelines, 2015. Collection method: clinical testing. Allele origin: germline.

Ambry Genetics
Classification: Likely benign for Hereditary cancer-predisposing syndrome. Last evaluated: 2015-03-04. Review status: criteria provided, single submitter. Criteria: Ambry Variant Classification Scheme 2023. Collection method: clinical testing. Allele origin: germline.

Department of Pathology and Laboratory Medicine, Sinai Health System
Classification: Likely benign for Familial cancer of breast. Review status: no assertion criteria provided. Collection method: clinical testing. Allele origin: unknown. Affected: yes. Study: The Canadian Open Genetics Repository (COGR). Not counted in ClinVar's aggregate classification.
Comment: The CHEK2 p.Glu531= variant was not identified in the literature. The variant was identified in dbSNP (ID: rs758555487) as "With Likely benign allele ", and in ClinVar (classified as benign by Invitae; as likely benign by Ambry Genetics, GeneDx and Color). The variant was identified in control databases in 54 of 260100 chromosomes at a frequency of 0.0002 increasing the likelihood this could be a low frequency benign variant (Genome Aggregation Database Feb 27, 2017). The variant was observed in the following populations: African in 1 of 22578 chromosomes (freq: 0.00004), Other in 1 of 6276 chromosomes (freq: 0.000159), European in 1 of 121982 chromosomes (freq: 0.000008), and South Asian in 51 of 30512 chromosomes (freq: 0.002), while the variant was not observed in the Latino, Ashkenazi Jewish, East Asian, and Finnish, populations. The p.Glu531= variant is not expected to have clinical significance because it does not result in a change of amino acid and is not located in a known consensus splice site. In addition, in silico or computational prediction software programs (SpliceSiteFinder, MaxEntScan, NNSPLICE, GeneSplicer) do not predict a difference in splicing. In summary, based on the above information the clinical significance of this variant cannot be determined with certainty at this time although we would lean towards a more benign role for this variant. This variant is classified as likely benign.

Literature cited by the submitters: PubMed 28779002 (cited by Quest Diagnostics Nichols Institute San Juan Capistrano).

NM_007194.4(CHEK2):c.1593G>A (p.Glu531=)

Gene: CHEK2 (checkpoint kinase 2; minus strand). Cytogenetic location: 22q12.1.
Variant type: single nucleotide variant.
Coding change: c.1593G>A on transcript NM_007194.4 (MANE Select); coding-DNA position 1593, G replaced by A.
Protein change: p.Glu531=; no amino-acid change (glutamic acid 531 retained).
Molecular consequence: synonymous variant.
Genome position (GRCh38, 1-based): chr22:28,687,936, C>T on the plus strand (G>A on the coding strand, the complement: CHEK2 is on the minus strand). VCF-style: chr22-28687936-C-T. GRCh37 (hg19) VCF-style: chr22-29083924-C-T.
Other names: c.1722G>A, p.Glu574= (NM_001005735.3); c.930G>A, p.Glu310= (NM_001257387.3); c.1392G>A, p.Glu464= (NM_001349956.3); c.1506G>A, p.Glu502= (NM_145862.3).
Identifiers: ClinVar variation 230806 (VCV000230806.31), dbSNP rs758555487, ClinGen allele CA10167604.